The following is an entry in ClinVar:

ClinVar aggregate classification (germline): Uncertain significance (1 of 4 stars; one submission).

Allele frequency attached by ClinVar (database versions not stated): ExAC 0.00002; gnomAD 0.00002; 1000 Genomes Project 30x 0.00016; 1000 Genomes Project 0.00020.
gnomAD v4.1: 10 of 1,613,808 alleles (0.00062%); highest among the groups gnomAD compares: African/African-American, 0.0027%; no homozygotes.

Submission:

Labcorp Genetics (formerly Invitae), Labcorp
Classification: Uncertain significance. Last evaluated: 2025-05-05. Review status: criteria provided, single submitter. Criteria: Invitae Variant Classification Sherloc (09022015). Collection method: clinical testing. Allele origin: germline.
Comment: This sequence change replaces asparagine, which is neutral and polar, with serine, which is neutral and polar, at codon 169 of the COLGALT1 protein (p.Asn169Ser). This variant is present in population databases (rs572655280, gnomAD 0.008%). This variant has not been reported in the literature in individuals affected with COLGALT1-related conditions. ClinVar contains an entry for this variant (Variation ID: 2712056). Invitae Evidence Modeling of protein sequence and biophysical properties (such as structural, functional, and spatial information, amino acid conservation, physicochemical variation, residue mobility, and thermodynamic stability) indicates that this missense variant is not expected to disrupt COLGALT1 protein function with a negative predictive value of 80%. In summary, the available evidence is currently insufficient to determine the role of this variant in disease. Therefore, it has been classified as a Variant of Uncertain Significance.

NM_024656.4(COLGALT1):c.506A>G (p.Asn169Ser)

Gene: COLGALT1 (collagen beta(1-O)galactosyltransferase 1; plus strand). Cytogenetic location: 19p13.11.
Variant type: single nucleotide variant.
Coding change: c.506A>G on transcript NM_024656.4 (MANE Select); coding-DNA position 506, A replaced by G.
Protein change: p.Asn169Ser; replaces asparagine 169 with serine.
Molecular consequence: missense variant.
Genome position (GRCh38, 1-based): chr19:17,567,422, A>G. VCF-style: chr19-17567422-A-G. GRCh37 (hg19) VCF-style: chr19-17678231-A-G.
Other names: short protein forms N169S.
Identifiers: ClinVar variation 2712056 (VCV002712056.3), dbSNP rs572655280, ClinGen allele CA9296937.